The following is an entry in ClinVar:

NM_014679.5(CEP57):c.1325del (p.Lys442fs)

Gene: CEP57 (centrosomal protein 57; plus strand). Cytogenetic location: 11q21.
Variant type: Deletion.
Coding change: c.1325del on transcript NM_014679.5 (MANE Select); coding-DNA position 1325, one base deleted (A; older notation c.1325delA).
Protein change: p.Lys442fs; shifts the reading frame from lysine 442.
Molecular consequence: frameshift variant.
Genome position (GRCh38, 1-based): chr11:95,831,078, A deleted; the last of 5 consecutive A bases (chr11:95,831,074-95,831,078); deleting any one gives the same sequence. VCF-style (leftmost placement, unchanged base first): chr11-95831073-CA-C. GRCh37 (hg19) VCF-style: chr11-95564237-CA-C.
Other names: c.1298del, p.Lys433fs (NM_001243776.2); c.1247del, p.Lys416fs (NM_001243777.2); c.1244del, p.Lys415fs (NM_001363604.2); short protein forms K415fs, K433fs, K416fs, K442fs.
Identifiers: ClinVar variation 2199076 (VCV002199076.4), dbSNP rs2496351327, ClinGen allele CA2574955435.

ClinVar aggregate classification (germline): Uncertain significance (1 of 4 stars; one submission).

Conditions:
Mosaic variegated aneuploidy syndrome 2 (MVA2). Identifiers: Orphanet 1052, MedGen C3279843, MONDO:0013582, OMIM 614114.

Submission:

Labcorp Genetics (formerly Invitae), Labcorp
Classification: Uncertain significance for Mosaic variegated aneuploidy syndrome 2. Last evaluated: 2022-03-13. Review status: criteria provided, single submitter. Criteria: Invitae Variant Classification Sherloc (09022015). Collection method: clinical testing. Allele origin: germline.
Comment: In summary, the available evidence is currently insufficient to determine the role of this variant in disease. Therefore, it has been classified as a Variant of Uncertain Significance. Experimental studies and prediction algorithms are not available or were not evaluated, and the functional significance of this variant is currently unknown. This variant has not been reported in the literature in individuals affected with CEP57-related conditions. This variant is not present in population databases (gnomAD no frequency). This sequence change creates a premature translational stop signal (p.Lys442Argfs*25) in the CEP57 gene. While this is not anticipated to result in nonsense mediated decay, it is expected to disrupt the last 59 amino acid(s) of the CEP57 protein.